The following is an entry in ClinVar:

NM_030962.4(SBF2):c.1758G>C (p.Gln586His)

Gene: SBF2 (SET binding factor 2; minus strand). Cytogenetic location: 11p15.4.
Variant type: single nucleotide variant.
Coding change: c.1758G>C on transcript NM_030962.4 (MANE Select); coding-DNA position 1758, G replaced by C.
Protein change: p.Gln586His; replaces glutamine 586 with histidine.
Molecular consequence: missense variant.
Genome position (GRCh38, 1-based): chr11:9,962,059, C>G on the plus strand (G>C on the coding strand, the complement: SBF2 is on the minus strand). VCF-style: chr11-9962059-C-G. GRCh37 (hg19) VCF-style: chr11-9983606-C-G.
Other names: c.1758G>C, p.Gln586His (NM_001386339.1); c.1629G>C, p.Gln543His (NM_001386342.1); c.1794G>C, p.Gln598His (NM_001424318.1, NM_001425069.1, NM_001425070.1); short protein forms Q586H, Q598H, Q543H.
Identifiers: ClinVar variation 3009098 (VCV003009098.3), dbSNP rs1484567557, ClinGen allele CA379644499.
Genomic context (GRCh38, chr11:9,962,059, plus strand): 5'-TTGATGGTCTAATATTGCCCGGTTTTGCTGGACATGCAAACCCAATTCATCAGTGAGACA[C>G]TGTCTTGCTGCCTTTCCTTTAAGGGCTCTGAGTGCAGCAGGAAGGGTCTGAGGACAAGAG-3'
Protein context (NP_112224.1, residues 576-596): LRALKGKAAR[Gln586His]CLTDELGLHV

ClinVar aggregate classification (germline): Uncertain significance (1 of 4 stars; one submission).

Conditions:
Charcot-Marie-Tooth disease type 4. Also called: Charcot-Marie-Tooth, Type 4; Charcot-Marie-Tooth disease, type IV. Identifiers: Orphanet 64749, MedGen C4082197, MONDO:0018995.

Submission:

Labcorp Genetics (formerly Invitae), Labcorp
Classification: Uncertain significance for Charcot-Marie-Tooth disease type 4. Last evaluated: 2023-04-18. Review status: criteria provided, single submitter. Criteria: Invitae Variant Classification Sherloc (09022015). Collection method: clinical testing. Allele origin: germline.
Comment: This sequence change replaces glutamine, which is neutral and polar, with histidine, which is basic and polar, at codon 586 of the SBF2 protein (p.Gln586His). This variant is not present in population databases (gnomAD no frequency). This variant has not been reported in the literature in individuals affected with SBF2-related conditions. Advanced modeling of protein sequence and biophysical properties (such as structural, functional, and spatial information, amino acid conservation, physicochemical variation, residue mobility, and thermodynamic stability) performed at Invitae indicates that this missense variant is not expected to disrupt SBF2 protein function. In summary, the available evidence is currently insufficient to determine the role of this variant in disease. Therefore, it has been classified as a Variant of Uncertain Significance.